The following is an entry in ClinVar:

NM_001029998.6(SLC10A7):c.721+9G>C

Gene: SLC10A7 (solute carrier family 10 member 7; minus strand). Cytogenetic location: 4q31.22.
Variant type: single nucleotide variant.
Coding change: c.721+9G>C on transcript NM_001029998.6 (MANE Select); 9 bases into the intron after coding-DNA position 721, G replaced by C.
Molecular consequence: intron variant.
Genome position (GRCh38, 1-based): chr4:146,293,921, C>G on the plus strand (G>C on the coding strand, the complement: SLC10A7 is on the minus strand). VCF-style: chr4-146293921-C-G. GRCh37 (hg19) VCF-style: chr4-147215073-C-G.
Other names: c.682+9G>C (NM_001317816.2); c.721+9G>C (NM_001300842.3).
Identifiers: ClinVar variation 4997015 (VCV004997015.1).

ClinVar aggregate classification (germline): Likely benign (1 of 4 stars; one submission).

Conditions:
SLC10A7-related disorder. Also called: SLC10A7-related condition.

gnomAD v4.1: 31 of 1,599,744 alleles (0.0019%); highest among the groups gnomAD compares: South Asian, 0.035%; 1 homozygote.

Submission:

PreventionGenetics, part of Exact Sciences
Classification: Likely benign for SLC10A7-related condition. Last evaluated: 2026-08-19. Review status: criteria provided, single submitter. Criteria: ACMG Guidelines, 2015. Collection method: clinical testing. Allele origin: germline.
Comment: This variant is classified as likely benign based on ACMG/AMP sequence variant interpretation guidelines (Richards et al. 2015 PMID: 25741868, with internal and published modifications).